The following is an entry in ClinVar:

NM_016038.4(SBDS):c.412A>G (p.Lys138Glu)

Gene: SBDS (SBDS ribosome maturation factor; minus strand). Cytogenetic location: 7q11.21.
Variant type: single nucleotide variant.
Coding change: c.412A>G on transcript NM_016038.4 (MANE Select); coding-DNA position 412, A replaced by G.
Protein change: p.Lys138Glu; replaces lysine 138 with glutamic acid.
Molecular consequence: missense variant.
Genome position (GRCh38, 1-based): chr7:66,993,264, T>C on the plus strand (A>G on the coding strand, the complement: SBDS is on the minus strand). VCF-style: chr7-66993264-T-C. GRCh37 (hg19) VCF-style: chr7-66458251-T-C.
Other names: short protein forms K138E.
Identifiers: ClinVar variation 3437530 (VCV003437530.1).

ClinVar aggregate classification (germline): Uncertain significance (1 of 4 stars; one submission).

Conditions:
Inborn genetic diseases. Identifiers: MedGen C0950123, MeSH D030342.

Submission:

Ambry Genetics
Classification: Uncertain significance for Inborn genetic diseases. Last evaluated: 2024-11-26. Review status: criteria provided, single submitter. Criteria: Ambry Variant Classification Scheme 2023. Collection method: clinical testing. Allele origin: germline.
Comment: The p.K138E variant (also known as c.412A>G), located in coding exon 3 of the SBDS gene, results from an A to G substitution at nucleotide position 412. The lysine at codon 138 is replaced by glutamic acid, an amino acid with similar properties. This amino acid position is conserved. In addition, the in silico prediction for this alteration is inconclusive. Based on the available evidence, the clinical significance of this variant remains unclear.